The following is an entry in ClinVar:

NM_001267550.2(TTN):c.91384C>T (p.Arg30462Trp)

Genes: TTN (titin; minus strand), TTN-AS1 (TTN antisense RNA 1; plus strand). Cytogenetic location: 2q31.2.
Variant type: single nucleotide variant.
Coding change: c.91384C>T on transcript NM_001267550.2 (MANE Select); coding-DNA position 91384, C replaced by T.
Protein change: p.Arg30462Trp; replaces arginine 30462 with tryptophan.
Molecular consequence: missense variant.
Genome position (GRCh38, 1-based): chr2:178,551,147, G>A on the plus strand (C>T on the coding strand, the complement: TTN is on the minus strand). VCF-style: chr2-178551147-G-A. GRCh37 (hg19) VCF-style: chr2-179415874-G-A.
Other names: c.86461C>T, p.Arg28821Trp (NM_001256850.1); c.64189C>T, p.Arg21397Trp (NM_003319.4); c.83680C>T, p.Arg27894Trp (NM_133378.4); c.64564C>T, p.Arg21522Trp (NM_133432.3); c.64765C>T, p.Arg21589Trp (NM_133437.4); short protein forms R27894W, R30462W, R21522W, R21397W, R21589W, R28821W.
Identifiers: ClinVar variation 263633 (VCV000263633.6), dbSNP rs373623340, ClinGen allele CA1987637.

ClinVar aggregate classification (germline): Uncertain significance. Review status: criteria provided, multiple submitters, no conflicts (2 of 4 stars). 3 submissions from 3 submitters: Uncertain significance (3). Last evaluated 2025-08-07.

Conditions:
TTN-related disorder. Also called: TTN-related condition; TTN-related disease; TTN-related disorders.
Cardiovascular phenotype. Identifiers: MedGen CN230736.
Autosomal recessive limb-girdle muscular dystrophy type 2J (LGMDR10). Also called: MUSCULAR DYSTROPHY, LIMB-GIRDLE, AUTOSOMAL RECESSIVE 10; Limb-girdle muscular dystrophy, type 2J. Identifiers: Orphanet 140922, MedGen C1837342, MONDO:0012127, OMIM 608807.
Dilated cardiomyopathy 1G (CMD1G). Identifiers: Orphanet 154, MedGen C1858763, MONDO:0011400, OMIM 604145.

Allele frequency attached by ClinVar (database versions not stated): gnomAD exomes 0.00001 and 0.00005; ExAC 0.00008; ESP Exome Variant Server 0.00008; gnomAD 0.00010 and 0.00011; TOPMed 0.00011; 1000 Genomes Project 30x 0.00047; 1000 Genomes Project 0.00060.
gnomAD v4.1: 37 of 1,613,440 alleles (0.0023%); highest among the groups gnomAD compares: African/African-American, 0.033%; no homozygotes.

Submissions (3):

PreventionGenetics, part of Exact Sciences
Classification: Uncertain significance for TTN-related condition. Last evaluated: 2025-08-07. Review status: criteria provided, single submitter. Criteria: ACMG Guidelines, 2015. Collection method: clinical testing. Allele origin: germline.
Comment: The TTN c.91384C>T variant is predicted to result in the amino acid substitution p.Arg30462Trp. To our knowledge, this variant has not been reported in the literature. This variant is reported in 0.045% of alleles in individuals of African descent in gnomAD. At this time, the clinical significance of this variant is uncertain due to the absence of conclusive functional and genetic evidence.

Labcorp Genetics (formerly Invitae), Labcorp
Classification: Uncertain significance for Dilated cardiomyopathy 1G; Autosomal recessive limb-girdle muscular dystrophy type 2J. Last evaluated: 2017-09-28. Review status: criteria provided, single submitter. Criteria: Invitae Variant Classification Sherloc (09022015). Collection method: clinical testing. Allele origin: germline.

Ambry Genetics
Classification: Uncertain significance for Cardiovascular phenotype. Last evaluated: 2013-05-31. Review status: criteria provided, single submitter. Criteria: Ambry Autosomal Dominant and X-Linked criteria (10/2015). Collection method: clinical testing. Allele origin: germline. Observed: 1 variant allele.
Comment: There is insufficient or conflicting evidence for classification of this alteration.